The following continues an entry in ClinVar:

NM_000488.4(SERPINC1):c.236G>A (p.Arg79His)

Gene: SERPINC1. ClinVar aggregate classification (germline): Pathogenic. Pathogenic (1).

Submissions 13 to 20 of 20:

CeGaT Center for Human Genetics Tuebingen
Classification: Pathogenic. Last evaluated: 2022-04-01. Review status: criteria provided, single submitter. Criteria: CeGaT Center For Human Genetics Tuebingen Variant Classification Criteria Version 2. Collection method: clinical testing. Allele origin: germline. Affected: yes. Observed: 2 variant alleles. Not counted in ClinVar's aggregate classification.
Comment: SERPINC1: PS1, PM1, PP1, PP4, PS3:Supporting, PS4:Supporting

NIHR Bioresource Rare Diseases, University of Cambridge
Classification: Uncertain significance for Hereditary antithrombin deficiency. Last evaluated: 2019-02-01. Review status: criteria provided, single submitter. Criteria: ACMG Guidelines, 2015. Collection method: research. Allele origin: unknown. Affected: yes. Observed: 1 heterozygote. Study: ThromboGenomics. Not counted in ClinVar's aggregate classification.

ISTH-SSC Genomics in Thrombosis and Hemostasis, KU Leuven, Center for Molecular and Vascular Biology
Classification: Likely pathogenic for Hereditary antithrombin deficiency. Review status: criteria provided, single submitter. Criteria: ACMG Guidelines, 2015. Collection method: clinical testing. Allele origin: germline. Affected: yes. Observed: 1 heterozygote. Not counted in ClinVar's aggregate classification.
Comment: Submitted to the GoldVariant database by Kathleen Freson, Center for Molecular and Vascular Biology

Imagene.me medical diagnostic laboratory, IMAGENE.ME SA
Classification: Pathogenic for Hereditary antithrombin deficiency. Review status: criteria provided, single submitter. Criteria: IMAGENE.ME Variant Classification SOP 2022. Collection method: clinical testing. Allele origin: germline. Not counted in ClinVar's aggregate classification.
Comment: Classified according to the IMAGENE.ME variant classification SOP based on the ACMG guidelines as Pathogenic (P): PS4 + PM1 + PS3_Supporting + PM5_Supporting + PP3 + PP4

Juno Genomics, Hangzhou Juno Genomics, Inc
Classification: Pathogenic for Hereditary antithrombin deficiency. Review status: criteria provided, single submitter. Criteria: ACMG Guidelines, 2015. Collection method: clinical testing. Allele origin: germline. Not counted in ClinVar's aggregate classification.
Comment: Multiple lines of computational evidence support a deleterious effect on the gene or gene product.;The prevalence of the variant in affected individuals is significantly increased compared to the prevalence in controls.;Patient's phenotype or family history is highly specific for a disease with a single genetic etiology.;Located in a mutational hot spot and/or critical and well-established functional domain without benign variation.

Zotz-Klimas Genetics Lab, MVZ Zotz Klimas
Classification: Pathogenic for Hereditary antithrombin deficiency. Last evaluated: 2023-10-09. Review status: no assertion criteria provided. Collection method: clinical testing. Allele origin: germline. Affected: yes. Not counted in ClinVar's aggregate classification.

CSER _CC_NCGL, University of Washington
Classification: Likely benign for Antithrombin deficiency. Last evaluated: 2014-06-01. Review status: no assertion criteria provided. Collection method: research. Allele origin: germline. Inheritance: Autosomal dominant inheritance. Study: ESP 6500 variant annotation. Not counted in ClinVar's aggregate classification.
Comment: Variants classified for the Actionable exomic incidental findings in 6503 participants: challenges of variant classification manuscript

OMIM
Classification: Pathogenic for THROMBOPHILIA DUE TO ANTITHROMBIN III DEFICIENCY. Last evaluated: 1994-12-01. Review status: no assertion criteria provided. Collection method: literature only. Allele origin: germline. Not counted in ClinVar's aggregate classification.

Literature cited by the submitters: PubMed 2615648 (cited by 5 submitters); PubMed 2363123 (cited by 3 submitters); PubMed 3350974 (cited by Ambry Genetics); PubMed 21264449 (cited by Ambry Genetics and Labcorp Genetics (formerly Invitae), Labcorp); PubMed 21325262 (cited by Ambry Genetics and Labcorp Genetics (formerly Invitae), Labcorp); PubMed 25837307 (cited by 3 submitters); PubMed 28607330 (cited by 3 submitters); PubMed 29153735 (cited by 3 submitters); PubMed 30721820 (cited by Ambry Genetics and Mayo Clinic Laboratories, Mayo Clinic); PubMed 31885188 (cited by 3 submitters); PubMed 35626216 (cited by 3 submitters); PubMed 37201530 (cited by Ambry Genetics and Mayo Clinic Laboratories, Mayo Clinic); PubMed 37674759 (cited by Ambry Genetics); PubMed 3567355 (cited by 3 submitters); PubMed 7981186 (cited by 3 submitters); PubMed 26748602 (cited by Labcorp Genetics (formerly Invitae), Labcorp and Mayo Clinic Laboratories, Mayo Clinic); PubMed 6582486 (cited by Labcorp Genetics (formerly Invitae), Labcorp); PubMed 24162787 (cited by Labcorp Genetics (formerly Invitae), Labcorp); PubMed 28300866 (cited by Labcorp Genetics (formerly Invitae), Labcorp and Mayo Clinic Laboratories, Mayo Clinic); PubMed 17849067 (cited by Mayo Clinic Laboratories, Mayo Clinic); PubMed 20088933 (cited by Mayo Clinic Laboratories, Mayo Clinic); PubMed 34800304 (cited by Mayo Clinic Laboratories, Mayo Clinic); PubMed 31064749 (cited by NIHR Bioresource Rare Diseases, University of Cambridge); PubMed 1998601 (cited by OMIM).